The following is an entry in ClinVar:

ClinVar aggregate classification (germline): Uncertain significance. Review status: criteria provided, multiple submitters, no conflicts (2 of 4 stars). 2 submissions from 2 submitters: Uncertain significance (2). Last evaluated 2022-03-19.

Conditions:
Long QT syndrome (LQTS). Identifiers: MedGen C0023976, MeSH D008133, MONDO:0002442. Disease mechanism: loss of function. Inheritance: Various modes of inheritance.

Allele frequency attached by ClinVar (database versions not stated): gnomAD 0.00001; gnomAD exomes 0.00001; TOPMed 0.00001; ExAC 0.00002; ESP Exome Variant Server 0.00008.
gnomAD v4.1: 21 of 1,613,942 alleles (0.0013%); highest among the groups gnomAD compares: South Asian, 0.0033%; no homozygotes.

Submissions (2):

Labcorp Genetics (formerly Invitae), Labcorp
Classification: Uncertain significance for Long QT syndrome. Last evaluated: 2022-03-19. Review status: criteria provided, single submitter. Criteria: Invitae Variant Classification Sherloc (09022015). Collection method: clinical testing. Allele origin: germline.
Comment: The frequency data for this variant in the population databases is considered unreliable, as metrics indicate poor data quality at this position in the gnomAD database. This sequence change replaces serine, which is neutral and polar, with leucine, which is neutral and non-polar, at codon 3196 of the ANK2 protein (p.Ser3196Leu). This variant has not been reported in the literature in individuals affected with ANK2-related conditions. In summary, the available evidence is currently insufficient to determine the role of this variant in disease. Therefore, it has been classified as a Variant of Uncertain Significance. Algorithms developed to predict the effect of missense changes on protein structure and function (SIFT, PolyPhen-2, Align-GVGD) all suggest that this variant is likely to be tolerated. ClinVar contains an entry for this variant (Variation ID: 993771).

ARUP Laboratories, Molecular Genetics and Genomics, ARUP Laboratories
Classification: Uncertain significance. Last evaluated: 2019-10-07. Review status: criteria provided, single submitter. Criteria: ARUP Molecular Germline Variant Investigation Process. Collection method: clinical testing. Allele origin: germline.
Comment: The ANK2 c.9587C>T; p.Ser3196Leu variant (rs144719173), to our knowledge, is not reported in the medical literature or gene specific databases. This variant is found in the general population with an allele frequency of 0.0011% (3/282,098 alleles) in the Genome Aggregation Database, but is considered low confidence in one of these alleles. The serine at codon 3196 is weakly conserved, but computational analyses (SIFT: damaging, PolyPhen-2: benign) predict conflicting effects of this variant on protein structure/function. Due to limited information, the clinical significance of this variant is uncertain at this time.

NM_001148.6(ANK2):c.9587C>T (p.Ser3196Leu)

Gene: ANK2 (ankyrin 2; plus strand). Cytogenetic location: 4q26.
Variant type: single nucleotide variant.
Coding change: c.9587C>T on transcript NM_001148.6 (MANE Select); coding-DNA position 9587, C replaced by T.
Protein change: p.Ser3196Leu; replaces serine 3196 with leucine.
Molecular consequence: missense variant. On other transcripts: intron variant (68).
Genome position (GRCh38, 1-based): chr4:113,358,205, C>T. VCF-style: chr4-113358205-C-T. GRCh37 (hg19) VCF-style: chr4-114279361-C-T.
Other names: c.9353C>T, p.Ser3118Leu (NM_001386142.1); c.5987C>T, p.Ser1996Leu (NM_001386166.1); c.9728C>T, p.Ser3243Leu (NM_001386174.1); c.9704C>T, p.Ser3235Leu (NM_001386175.1); c.4412-2618C>T (NM_001386186.2, NM_001386148.2); c.4214-2618C>T (NM_001354269.3); c.4292-2618C>T (NM_001386187.2); c.4253-2618C>T (NM_001386147.1); and 35 more; short protein forms S1996L, S3118L, S3196L, S3235L, S3243L.
Identifiers: ClinVar variation 993771 (VCV000993771.16), dbSNP rs144719173, ClinGen allele CA3051945.